The following is an entry in ClinVar:

ClinVar aggregate classification (germline): Uncertain significance (1 of 4 stars; one submission).

Submission:

Labcorp Genetics (formerly Invitae), Labcorp
Classification: Uncertain significance. Last evaluated: 2023-09-15. Review status: criteria provided, single submitter. Criteria: Invitae Variant Classification Sherloc (09022015). Collection method: clinical testing. Allele origin: germline.
Comment: This variant is not present in population databases (gnomAD no frequency). In summary, the available evidence is currently insufficient to determine the role of this variant in disease. Therefore, it has been classified as a Variant of Uncertain Significance. An algorithm developed to predict the effect of missense changes on protein structure and function (PolyPhen-2) suggests that this variant is likely to be disruptive. This variant has not been reported in the literature in individuals affected with SPPL2A-related conditions. This sequence change replaces lysine, which is basic and polar, with isoleucine, which is neutral and non-polar, at codon 242 of the SPPL2A protein (p.Lys242Ile).

NM_032802.4(SPPL2A):c.725A>T (p.Lys242Ile)

Gene: SPPL2A (signal peptide peptidase like 2A; minus strand). Cytogenetic location: 15q21.2.
Variant type: single nucleotide variant.
Coding change: c.725A>T on transcript NM_032802.4 (MANE Select); coding-DNA position 725, A replaced by T.
Protein change: p.Lys242Ile; replaces lysine 242 with isoleucine.
Molecular consequence: missense variant.
Genome position (GRCh38, 1-based): chr15:50,739,688, T>A on the plus strand (A>T on the coding strand, the complement: SPPL2A is on the minus strand). VCF-style: chr15-50739688-T-A. GRCh37 (hg19) VCF-style: chr15-51031885-T-A.
Other names: short protein forms K242I.
Identifiers: ClinVar variation 2794780 (VCV002794780.3), dbSNP rs2062802591, ClinGen allele CA392412384.